The following is an entry in ClinVar:

NM_000782.5(CYP24A1):c.304G>C (p.Gly102Arg)

Gene: CYP24A1 (cytochrome P450 family 24 subfamily A member 1; minus strand). Cytogenetic location: 20q13.2.
Variant type: single nucleotide variant.
Coding change: c.304G>C on transcript NM_000782.5 (MANE Select); coding-DNA position 304, G replaced by C.
Protein change: p.Gly102Arg; replaces glycine 102 with arginine.
Molecular consequence: missense variant.
Genome position (GRCh38, 1-based): chr20:54,173,054, C>G on the plus strand (G>C on the coding strand, the complement: CYP24A1 is on the minus strand). VCF-style: chr20-54173054-C-G. GRCh37 (hg19) VCF-style: chr20-52789593-C-G.
Other names: c.304G>C, p.Gly102Arg (NM_001128915.2); short protein forms G102R.
Identifiers: ClinVar variation 2124827 (VCV002124827.6), dbSNP rs1568976122, ClinGen allele CA409393267.

ClinVar aggregate classification (germline): Conflicting classifications of pathogenicity. Review status: criteria provided, conflicting classifications (1 of 4 stars). 3 submissions from 3 submitters: Likely pathogenic (2); Uncertain significance (1). Last evaluated 2025-07-03.

Conditions:
Hypercalcemia, infantile, 1 (HCINF1). Identifiers: Orphanet 300547, MedGen CN031131, MONDO:0020739, OMIM 143880.

Submissions (3):

MVZ Medizinische Genetik Mainz
Classification: Likely pathogenic for Hypercalcemia, infantile, 1. Last evaluated: 2025-07-03. Review status: criteria provided, single submitter. Criteria: UK Practice Guidelines For Variant Classification V4 01 2020. Collection method: clinical testing. Allele origin: germline. Inheritance: Autosomal recessive inheritance. Affected: yes. Observed: 1 variant allele.
Comment: ACMG Criteria: PM3,PP3_MOD,PM2_SUP,PP4; Compound Heterozygote

Greenwood Genetic Center Diagnostic Laboratories, Greenwood Genetic Center
Classification: Uncertain significance. Last evaluated: 2024-03-20. Review status: criteria provided, single submitter. Criteria: ACMG Guidelines, 2015. Collection method: clinical testing. Allele origin: germline. Affected: yes.
Comment: PM2, PM3, PP3

Labcorp Genetics (formerly Invitae), Labcorp
Classification: Likely pathogenic. Last evaluated: 2022-10-10. Review status: criteria provided, single submitter. Criteria: Invitae Variant Classification Sherloc (09022015). Collection method: clinical testing. Allele origin: germline.
Comment: This sequence change replaces glycine, which is neutral and non-polar, with arginine, which is basic and polar, at codon 102 of the CYP24A1 protein (p.Gly102Arg). This variant is not present in population databases (gnomAD no frequency). This missense change has been observed in individual(s) with infantile hypercalemia (Invitae). In at least one individual the data is consistent with being in trans (on the opposite chromosome) from a pathogenic variant. Algorithms developed to predict the effect of missense changes on protein structure and function (SIFT, PolyPhen-2, Align-GVGD) all suggest that this variant is likely to be disruptive. In summary, the currently available evidence indicates that the variant is pathogenic, but additional data are needed to prove that conclusively. Therefore, this variant has been classified as Likely Pathogenic.